The following is an entry in ClinVar:

ClinVar aggregate classification (germline): Benign (0 of 4 stars; one submission).

Conditions:
MEG3-related disorder. Also called: MEG3-related condition.

Allele frequency attached by ClinVar (database versions not stated): gnomAD 0.93622; TOPMed 0.93646; 1000 Genomes Project 30x 0.95409; 1000 Genomes Project 0.95567; gnomAD exomes 0.95833.
gnomAD v4.1: 142,618 of 152,330 alleles (94%); highest among the groups gnomAD compares: South Asian, 98%; 66,781 homozygotes.

Submission:

PreventionGenetics, part of Exact Sciences
Classification: Benign for MEG3-related condition. Last evaluated: 2019-08-12. Review status: no assertion criteria provided. Collection method: clinical testing. Allele origin: germline.
Comment: This variant is classified as benign based on ACMG/AMP sequence variant interpretation guidelines (Richards et al. 2015 PMID: 25741868, with internal and published modifications).

NR_046473.1(MEG3):n.679G>C

Gene: MEG3 (maternally expressed 3; plus strand). Cytogenetic location: 14q32.2.
Variant type: single nucleotide variant.
Molecular consequence: non-coding transcript variant (on NR_002766.2).
Genome position: GRCh38 VCF-style: chr14-100829493-G-C. GRCh37 (hg19) VCF-style: chr14-101295830-G-C.
Identifiers: ClinVar variation 3059566 (VCV003059566.2), dbSNP rs941575, ClinGen allele CA266907222.